The following is an entry in ClinVar:

ClinVar aggregate classification (germline): Uncertain significance. Review status: criteria provided, multiple submitters, no conflicts (2 of 4 stars). 2 submissions from 2 submitters: Uncertain significance (2). Last evaluated 2025-10-27.

Allele frequency attached by ClinVar (database versions not stated): TOPMed 0.00003.
gnomAD v4.1: 39 of 1,613,484 alleles (0.0024%); highest among the groups gnomAD compares: Non-Finnish European, 0.0032%; no homozygotes.

Submissions (2):

Labcorp Genetics (formerly Invitae), Labcorp
Classification: Uncertain significance. Last evaluated: 2025-10-27. Review status: criteria provided, single submitter. Criteria: Invitae Variant Classification Sherloc (09022015). Collection method: clinical testing. Allele origin: germline.
Comment: This sequence change replaces serine, which is neutral and polar, with arginine, which is basic and polar, at codon 120 of the MTMR14 protein (p.Ser120Arg). This variant is present in population databases (rs532834766, gnomAD 0.0009%). This variant has not been reported in the literature in individuals affected with MTMR14-related conditions. ClinVar contains an entry for this variant (Variation ID: 2058658). Invitae Evidence Modeling of protein sequence and biophysical properties (such as structural, functional, and spatial information, amino acid conservation, physicochemical variation, residue mobility, and thermodynamic stability) indicates that this missense variant is not expected to disrupt MTMR14 protein function with a negative predictive value of 80%. In summary, the available evidence is currently insufficient to determine the role of this variant in disease. Therefore, it has been classified as a Variant of Uncertain Significance.

Ambry Genetics
Classification: Uncertain significance. Last evaluated: 2025-08-21. Review status: criteria provided, single submitter. Criteria: Ambry Variant Classification Scheme 2023. Collection method: clinical testing. Allele origin: germline.

NM_001077525.3(MTMR14):c.360C>G (p.Ser120Arg)

Gene: MTMR14 (myotubularin related protein 14; plus strand). Cytogenetic location: 3p25.3.
Variant type: single nucleotide variant.
Coding change: c.360C>G on transcript NM_001077525.3 (MANE Select); coding-DNA position 360, C replaced by G.
Protein change: p.Ser120Arg; replaces serine 120 with arginine.
Molecular consequence: missense variant. On other transcripts: 5 prime UTR variant (13), non-coding transcript variant (7), intron variant (8).
Genome position (GRCh38, 1-based): chr3:9,662,318, C>G. VCF-style: chr3-9662318-C-G. GRCh37 (hg19) VCF-style: chr3-9704002-C-G.
Other names: c.360C>G, p.Ser120Arg (NM_001077526.3, NM_001400519.1, NM_001400520.1 and 4 more transcripts); c.429C>G, p.Ser143Arg (NM_001400518.1, NM_001400521.1, NM_001400526.1); c.78C>G, p.Ser26Arg (NM_001400525.1, NM_001400529.1, NM_001400532.1 and 1 more transcripts); c.-146C>G (NM_001400533.1, NM_001400535.1, NM_001400539.1 and 1 more transcripts); c.-207C>G (NM_001400534.1, NM_001400538.1, NM_001400541.1 and 3 more transcripts); c.-219C>G (NM_001400544.1); c.-356C>G (NM_001400547.1); c.-280C>G (NM_001400548.1); and 4 more; short protein forms S120R, S143R, S26R.
Identifiers: ClinVar variation 2058658 (VCV002058658.6), dbSNP rs532834766, ClinGen allele CA2240255.